The following is an entry in ClinVar:

ClinVar aggregate classification (germline): Pathogenic (1 of 4 stars; one submission).

Conditions:
Arrhythmogenic right ventricular dysplasia 10. Also called: Arrhythmogenic right ventricular dysplasia/cardiomyopathy, type 10; Arrhythmogenic Right Ventricular Dysplasia/Cardiomyopathy10; ARRHYTHMOGENIC RIGHT VENTRICULAR DYSPLASIA, FAMILIAL, 10. Identifiers: MedGen C1857777, MONDO:0012434, OMIM 610193.

Submission:

Labcorp Genetics (formerly Invitae), Labcorp
Classification: Pathogenic for Arrhythmogenic right ventricular dysplasia 10. Last evaluated: 2020-02-12. Review status: criteria provided, single submitter. Criteria: Invitae Variant Classification Sherloc (09022015). Collection method: clinical testing. Allele origin: germline.
Comment: This variant is not present in population databases (ExAC no frequency). This sequence change creates a premature translational stop signal (p.Thr226Glyfs*40) in the DSG2 gene. It is expected to result in an absent or disrupted protein product. This variant has been observed to be homozygous in an individual affected with hypertrophic cardiomyopathy (PMID: 28611029). This variant is also known as c.674_678delTTACC in the literature. For these reasons, this variant has been classified as Pathogenic. Loss-of-function variants in DSG2 are known to be pathogenic (PMID: 23381804, 23911551).

Literature cited by the submitters: PubMed 28611029; PubMed 23381804; PubMed 23911551.

NM_001943.5(DSG2):c.676_680del (p.Thr226fs)

Gene: DSG2 (desmoglein 2; plus strand). Cytogenetic location: 18q12.1.
Variant type: Deletion.
Coding change: c.676_680del on transcript NM_001943.5 (MANE Select); coding-DNA positions 676 to 680, 5 bases deleted (ACCTT; older notation c.676_680delACCTT).
Protein change: p.Thr226fs; shifts the reading frame from threonine 226.
Molecular consequence: frameshift variant.
Genome position (GRCh38, 1-based): chr18:31,522,235-31,522,239, ACCTT deleted; deleting any 5 consecutive bases within chr18:31,522,233-31,522,239 gives the same sequence; the c. name uses the placement nearest the transcript's 3' end. VCF-style (leftmost placement, unchanged base first): chr18-31522232-GTTACC-G. GRCh37 (hg19) VCF-style: chr18-29102195-GTTACC-G.
Other names: short protein forms T226fs.
Identifiers: ClinVar variation 1075406 (VCV001075406.10), dbSNP rs2144318119, ClinGen allele CA16609638.